The following is an entry in ClinVar:

ClinVar aggregate classification (germline): Pathogenic (1 of 4 stars; one submission).

Conditions:
Early-infantile DEE. Also called: Early infantile epileptic encephalopathy; Ohtahara syndrome; Early infantile epileptic encephalopathy with suppression bursts. Identifiers: Orphanet 1934, MedGen C0393706, MONDO:0800491.

Submission:

Labcorp Genetics (formerly Invitae), Labcorp
Classification: Pathogenic for Early-infantile DEE. Last evaluated: 2020-10-23. Review status: criteria provided, single submitter. Criteria: Invitae Variant Classification Sherloc (09022015). Collection method: clinical testing. Allele origin: germline.
Comment: For these reasons, this variant has been classified as Pathogenic. This variant has not been reported in the literature in individuals with KCNQ2-related conditions. This variant is not present in population databases (ExAC no frequency). This sequence change creates a premature translational stop signal (p.Lys521Argfs*64) in the KCNQ2 gene. It is expected to result in an absent or disrupted protein product. Loss-of-function variants in KCNQ2 are known to be pathogenic (PMID: 14534157, 23692823, 27779742).

Literature cited by the submitters: PubMed 14534157; PubMed 23692823; PubMed 27779742.

NM_172107.4(KCNQ2):c.1558_1561dup (p.Lys521fs)

Gene: KCNQ2 (potassium voltage-gated channel subfamily Q member 2; minus strand). Cytogenetic location: 20q13.33.
Variant type: Duplication.
Coding change: c.1558_1561dup on transcript NM_172107.4 (MANE Select); coding-DNA positions 1558 to 1561, 4 bases duplicated (GACA; older notation c.1558_1561dupGACA).
Protein change: p.Lys521fs; shifts the reading frame from lysine 521.
Molecular consequence: frameshift variant.
Genome position (GRCh38, 1-based): chr20:63,414,158-63,414,161, TGTC duplicated on the plus strand (GACA on the coding strand, the reverse complement: KCNQ2 is on the minus strand). VCF-style (leftmost placement, unchanged base first): chr20-63414157-T-TTGTC. GRCh37 (hg19) VCF-style: chr20-62045510-T-TTGTC.
Other names: c.1504_1507dup, p.Lys503fs (NM_001382235.1, NM_172106.3); c.1474_1477dup, p.Lys493fs (NM_004518.6); c.1465_1468dup, p.Lys490fs (NM_172108.5); short protein forms K503fs, K521fs, K493fs, K490fs.
Identifiers: ClinVar variation 1453207 (VCV001453207.7), dbSNP rs2145548219, ClinGen allele CA2573157181.
Genomic context (GRCh38, chr20:63,414,157, plus strand): 5'-CTGATGCTGACTTTGAGGCCCGGGGTCAGGTCCTCGGTCACAAACTCGCAGGGGCAGCTC[T>TTGTC]TGTCATCCACAATGTCCTCTCCGGGGAGGCTTGCTTCTGGGGGGAAGGAGACAGGCCGTG-3'